The following is an entry in ClinVar:

ClinVar aggregate classification (germline): Uncertain significance. Review status: criteria provided, multiple submitters, no conflicts (2 of 4 stars). 3 submissions from 3 submitters: Uncertain significance (3). Last evaluated 2025-01-07.

Conditions:
Inborn genetic diseases. Identifiers: MedGen C0950123, MeSH D030342.

Allele frequency attached by ClinVar (database versions not stated): ExAC 0.00001; gnomAD exomes 0.00001; gnomAD 0.00003.
gnomAD v4.1: 18 of 1,612,876 alleles (0.0011%); highest among the groups gnomAD compares: Non-Finnish European, 0.0015%; no homozygotes.

Submissions (3):

Ambry Genetics
Classification: Uncertain significance for Inborn genetic diseases. Last evaluated: 2025-01-07. Review status: criteria provided, single submitter. Criteria: Ambry Variant Classification Scheme 2023. Collection method: clinical testing. Allele origin: germline.

GeneDx
Classification: Uncertain significance. Last evaluated: 2024-11-22. Review status: criteria provided, single submitter. Criteria: GeneDx Variant Classification Process June 2021. Collection method: clinical testing. Allele origin: germline. Affected: yes.
Comment: Not observed at significant frequency in large population cohorts (gnomAD); In silico analysis indicates that this missense variant does not alter protein structure/function; Has not been previously published as pathogenic or benign to our knowledge

Labcorp Genetics (formerly Invitae), Labcorp
Classification: Uncertain significance. Last evaluated: 2023-04-23. Review status: criteria provided, single submitter. Criteria: Invitae Variant Classification Sherloc (09022015). Collection method: clinical testing. Allele origin: germline.
Comment: This sequence change replaces histidine, which is basic and polar, with asparagine, which is neutral and polar, at codon 764 of the NSUN2 protein (p.His764Asn). In summary, the available evidence is currently insufficient to determine the role of this variant in disease. Therefore, it has been classified as a Variant of Uncertain Significance. An algorithm developed to predict the effect of missense changes on protein structure and function (PolyPhen-2) suggests that this variant is likely to be tolerated. This variant has not been reported in the literature in individuals affected with NSUN2-related conditions. This variant is present in population databases (rs767318342, gnomAD 0.0009%).

NM_017755.6(NSUN2):c.2290C>A (p.His764Asn)

Gene: NSUN2 (NOP2/Sun RNA methyltransferase 2; minus strand). Cytogenetic location: 5p15.31.
Variant type: single nucleotide variant.
Coding change: c.2290C>A on transcript NM_017755.6 (MANE Select); coding-DNA position 2290, C replaced by A.
Protein change: p.His764Asn; replaces histidine 764 with asparagine.
Molecular consequence: missense variant. On other transcripts: non-coding transcript variant (1).
Genome position (GRCh38, 1-based): chr5:6,599,940, G>T on the plus strand (C>A on the coding strand, the complement: NSUN2 is on the minus strand). VCF-style: chr5-6599940-G-T. GRCh37 (hg19) VCF-style: chr5-6600053-G-T.
Other names: c.2290C>A (NM_017755.5); c.2185C>A, p.His729Asn (NM_001193455.2); short protein forms H764N, H729N.
Identifiers: ClinVar variation 2956782 (VCV002956782.5), dbSNP rs767318342, ClinGen allele CA3192127.